The following is an entry in ClinVar:

NM_022081.6(HPS4):c.563A>G (p.His188Arg)

Gene: HPS4 (HPS4 biogenesis of lysosomal organelles complex 3 subunit 2; minus strand). Cytogenetic location: 22q12.1.
Variant type: single nucleotide variant.
Coding change: c.563A>G on transcript NM_022081.6 (MANE Select); coding-DNA position 563, A replaced by G.
Protein change: p.His188Arg; replaces histidine 188 with arginine.
Molecular consequence: missense variant. On other transcripts: non-coding transcript variant (8).
Genome position (GRCh38, 1-based): chr22:26,470,752, T>C on the plus strand (A>G on the coding strand, the complement: HPS4 is on the minus strand). VCF-style: chr22-26470752-T-C. GRCh37 (hg19) VCF-style: chr22-26866718-T-C.
Other names: c.563A>G, p.His188Arg (NM_001349896.1, NM_001349898.2, NM_001349899.2 and 6 more transcripts); c.548A>G, p.His183Arg (NM_152841.2); short protein forms H183R, H188R.
Identifiers: ClinVar variation 1501407 (VCV001501407.7), dbSNP rs201383753, ClinGen allele CA10163646.

ClinVar aggregate classification (germline): Uncertain significance. Review status: criteria provided, multiple submitters, no conflicts (2 of 4 stars). 2 submissions from 2 submitters: Uncertain significance (2). Last evaluated 2024-11-04.

Allele frequency attached by ClinVar (database versions not stated): gnomAD exomes 0.00003 and 0.00008; ExAC 0.00007; gnomAD 0.00007 and 0.00009; ESP Exome Variant Server 0.00008; TOPMed 0.00015; 1000 Genomes Project 0.00040; 1000 Genomes Project 30x 0.00047.

Submissions (2):

Labcorp Genetics (formerly Invitae), Labcorp
Classification: Uncertain significance. Last evaluated: 2024-11-04. Review status: criteria provided, single submitter. Criteria: Invitae Variant Classification Sherloc (09022015). Collection method: clinical testing. Allele origin: germline.
Comment: This sequence change replaces histidine, which is basic and polar, with arginine, which is basic and polar, at codon 188 of the HPS4 protein (p.His188Arg). This variant is present in population databases (rs201383753, gnomAD 0.02%). This variant has not been reported in the literature in individuals affected with HPS4-related conditions. ClinVar contains an entry for this variant (Variation ID: 1501407). An algorithm developed to predict the effect of missense changes on protein structure and function (PolyPhen-2) suggests that this variant is likely to be disruptive. In summary, the available evidence is currently insufficient to determine the role of this variant in disease. Therefore, it has been classified as a Variant of Uncertain Significance.

Breakthrough Genomics
Classification: Uncertain significance. Review status: criteria provided, single submitter. Criteria: ACMG Guidelines, 2015. Collection method: not provided. Allele origin: germline. Inheritance: Autosomal dominant inheritance. Affected: yes.